The following is an entry in ClinVar:

NM_000400.4(ERCC2):c.574T>C (p.Tyr192His)

Gene: ERCC2 (ERCC excision repair 2, TFIIH core complex helicase subunit; minus strand). Cytogenetic location: 19q13.32.
Variant type: single nucleotide variant.
Coding change: c.574T>C on transcript NM_000400.4 (MANE Select); coding-DNA position 574, T replaced by C.
Protein change: p.Tyr192His; replaces tyrosine 192 with histidine.
Molecular consequence: missense variant.
Genome position (GRCh38, 1-based): chr19:45,364,858, A>G on the plus strand (T>C on the coding strand, the complement: ERCC2 is on the minus strand). VCF-style: chr19-45364858-A-G. GRCh37 (hg19) VCF-style: chr19-45868116-A-G.
Other names: c.502T>C, p.Tyr168His (NM_001130867.2); short protein forms Y168H, Y192H.
Identifiers: ClinVar variation 1749436 (VCV001749436.2), dbSNP rs1972369876, ClinGen allele CA406375630.

ClinVar aggregate classification (germline): Uncertain significance (1 of 4 stars; one submission).

Conditions:
Inborn genetic diseases. Identifiers: MedGen C0950123, MeSH D030342.

Allele frequency attached by ClinVar (database versions not stated): gnomAD exomes below 0.00001.
gnomAD v4.1: 2 of 1,613,350 alleles (0.00012%); highest among the groups gnomAD compares: Non-Finnish European, 0.00017%; no homozygotes.

Submission:

Ambry Genetics
Classification: Uncertain significance for Inborn genetic diseases. Last evaluated: 2023-12-31. Review status: criteria provided, single submitter. Criteria: Ambry Variant Classification Scheme 2023. Collection method: clinical testing. Allele origin: germline.
Comment: The p.Y192H variant (also known as c.574T>C), located in coding exon 7 of the ERCC2 gene, results from a T to C substitution at nucleotide position 574. The tyrosine at codon 192 is replaced by histidine, an amino acid with similar properties. This amino acid position is conserved. In addition, this alteration is predicted to be deleterious by in silico analysis. Since supporting evidence is limited at this time, the clinical significance of this alteration remains unclear.